The following is an entry in ClinVar:

ClinVar aggregate classification (germline): Uncertain significance (1 of 4 stars; one submission).

Conditions:
Inborn genetic diseases. Identifiers: MedGen C0950123, MeSH D030342.

Allele frequency attached by ClinVar (database versions not stated): gnomAD exomes below 0.00001.
gnomAD v4.1: 1 of 1,613,908 alleles (0.000062%); highest among the groups gnomAD compares: Non-Finnish European, 0.000085%; no homozygotes.

Submission:

Ambry Genetics
Classification: Uncertain significance for Inborn genetic diseases. Last evaluated: 2024-03-07. Review status: criteria provided, single submitter. Criteria: Ambry Variant Classification Scheme 2023. Collection method: clinical testing. Allele origin: germline.
Comment: The c.977C>T (p.P326L) alteration is located in exon 5 (coding exon 1) of the HIVEP2 gene. This alteration results from a C to T substitution at nucleotide position 977, causing the proline (P) at amino acid position 326 to be replaced by a leucine (L). This variant was not reported in population-based cohorts in the Genome Aggregation Database (gnomAD). This amino acid position is highly conserved in available vertebrate species. This alteration is predicted to be tolerated by in silico analysis. Based on insufficient or conflicting evidence, the clinical significance of this alteration remains unclear.

NM_006734.4(HIVEP2):c.977C>T (p.Pro326Leu)

Gene: HIVEP2 (HIVEP zinc finger 2; minus strand). Cytogenetic location: 6q24.2.
Variant type: single nucleotide variant.
Coding change: c.977C>T on transcript NM_006734.4 (MANE Select); coding-DNA position 977, C replaced by T.
Protein change: p.Pro326Leu; replaces proline 326 with leucine.
Molecular consequence: missense variant.
Genome position (GRCh38, 1-based): chr6:142,773,762, G>A on the plus strand (C>T on the coding strand, the complement: HIVEP2 is on the minus strand). VCF-style: chr6-142773762-G-A. GRCh37 (hg19) VCF-style: chr6-143094899-G-A.
Other names: short protein forms P326L.
Identifiers: ClinVar variation 2265762 (VCV002265762.3), dbSNP rs2482852365, ClinGen allele CA365914854.
Genomic context (GRCh38, chr6:142,773,762, plus strand): 5'-CCAATATACTGAGAGCTTTCATTAGGGAGAGGAATCCCACTTTTAGGGATAATCAAAATC[G>A]GCACCTTCATTGGACCTCCCAATGATTCTTCCAATGACCCATGATAGCCGCCTCTGCTGG-3'
Protein context (NP_006725.3, residues 316-336): EESLGGPMKV[Pro326Leu]ILIIPKSGIP